The following is an entry in ClinVar:

NM_000492.4(CFTR):c.2337del (p.Gly780fs)

Gene: CFTR (CF transmembrane conductance regulator; plus strand). Cytogenetic location: 7q31.2.
Variant type: Deletion.
Coding change: c.2337del on transcript NM_000492.4 (MANE Select); coding-DNA position 2337, one base deleted (A; older notation c.2337delA).
Protein change: p.Gly780fs; shifts the reading frame from glycine 780.
Molecular consequence: frameshift variant.
Genome position (GRCh38, 1-based): chr7:117,592,504, A deleted; the last of 2 consecutive A bases (chr7:117,592,503-117,592,504); deleting either gives the same sequence. VCF-style (leftmost placement, unchanged base first): chr7-117592502-CA-C. GRCh37 (hg19) VCF-style: chr7-117232556-CA-C.
Other names: short protein forms G780fs.
Identifiers: ClinVar variation 1789797 (VCV001789797.2), dbSNP rs2485110559, ClinGen allele CA2580076546.

ClinVar aggregate classification (germline): Pathogenic/Likely pathogenic. Review status: criteria provided, multiple submitters, no conflicts (2 of 4 stars). 2 submissions from 2 submitters: Pathogenic (1); Likely pathogenic (1). Last evaluated 2025-08-05.

Conditions:
Cystic fibrosis (CF). Also called: MUCOVISCIDOSIS. Identifiers: Orphanet 586, MedGen C0010674, MONDO:0009061, OMIM 219700. Disease mechanism: loss of function.
CFTR-related disorder (CFTR-RD). Also called: CFTR-related disorders; CFTR-related condition. Identifiers: MedGen C5924204, MONDO:7770004.

Submissions (2):

Natera, Inc.
Classification: Likely pathogenic for CFTR-related disorders. Last evaluated: 2025-08-05. Review status: criteria provided, single submitter. Criteria: Natera Variant Classification Schema (03/2026). Collection method: clinical testing. Allele origin: germline.
Comment: The c.2337delA variant in CFTR is a frameshift variant predicted to shift the reading frame beginning at codon 780 and leads to a stop codon 23 codons downstream. This variant is expected to result in nonsense mediated decay, truncation, or a dysfunctional protein product. This variant is rare in the general population with a frequency below the threshold expected for the associated phenotype(s). Given the available evidence, this variant is classified as Likely Pathogenic.

Ambry Genetics
Classification: Pathogenic for Cystic fibrosis. Last evaluated: 2014-09-12. Review status: criteria provided, single submitter. Criteria: Ambry Variant Classification Scheme 2023. Collection method: clinical testing. Allele origin: germline.
Comment: The c.2337delA pathogenic mutation, located in coding exon 14 of the CFTR gene, results from a deletion of one nucleotide at nucleotide position 2337, causing a translational frameshift with a predicted alternate stop codon. Since frameshifts are typically deleterious in nature, this alteration is interpreted as a disease-causing mutation (ACMG Recommendations for Standards for Interpretation and Reporting of Sequence Variations. Revision 2007. Genet Med. 2008;10:294).